The following is an entry in ClinVar:

NM_000535.7(PMS2):c.107G>A (p.Ser36Asn)

Gene: PMS2 (PMS1 homolog 2, mismatch repair system component; minus strand). Cytogenetic location: 7p22.1.
Variant type: single nucleotide variant.
Coding change: c.107G>A on transcript NM_000535.7 (MANE Select); coding-DNA position 107, G replaced by A.
Protein change: p.Ser36Asn; replaces serine 36 with asparagine.
Molecular consequence: missense variant. On other transcripts: 5 prime UTR variant (8), non-coding transcript variant (1), intron variant (3).
Genome position (GRCh38, 1-based): chr7:6,005,948, C>T on the plus strand (G>A on the coding strand, the complement: PMS2 is on the minus strand). VCF-style: chr7-6005948-C-T. GRCh37 (hg19) VCF-style: chr7-6045579-C-T.
Other names: c.-299G>A (NM_001322003.2, NM_001322005.2, NM_001322009.2 and 1 more transcripts); c.107G>A, p.Ser36Asn (NM_001322006.2, NM_001322014.2); c.-109G>A (NM_001322007.2); c.-778G>A (NM_001322011.2, NM_001322012.2); c.-378G>A (NM_001322015.2); c.-52-1890G>A (NM_001322008.2); c.-242-1890G>A (NM_001322010.2, NM_001322004.2); short protein forms S36N.
Identifiers: ClinVar variation 234593 (VCV000234593.58), dbSNP rs876661105, ClinGen allele CA10577355.

ClinVar aggregate classification (germline): Uncertain significance. Review status: criteria provided, multiple submitters, no conflicts (2 of 4 stars). 7 submissions from 7 submitters: Uncertain significance (7). Last evaluated 2024-12-24.

Conditions:
Hereditary nonpolyposis colorectal neoplasms. Identifiers: MedGen C0009405, MeSH D003123.
Hereditary cancer-predisposing syndrome. Also called: Neoplastic Syndromes, Hereditary; Hereditary Cancer Syndrome; Tumor predisposition; Hereditary neoplastic syndrome. Identifiers: Orphanet 140162, MedGen C0027672, MeSH D009386, MONDO:0015356.
Lynch syndrome. Identifiers: Orphanet 144, MedGen C4552100, MONDO:0005835. Disease mechanism: loss of function.

Allele frequency attached by ClinVar (database versions not stated): gnomAD 0.00001; gnomAD exomes 0.00001.
gnomAD v4.1: 13 of 1,610,712 alleles (0.00081%); highest among the groups gnomAD compares: African/African-American, 0.0013%; no homozygotes.

Submissions (7):

Labcorp Genetics (formerly Invitae), Labcorp
Classification: Uncertain significance for Hereditary nonpolyposis colorectal neoplasms. Last evaluated: 2024-12-24. Review status: criteria provided, single submitter. Criteria: Invitae Variant Classification Sherloc (09022015). Collection method: clinical testing. Allele origin: germline.
Comment: This sequence change replaces serine, which is neutral and polar, with asparagine, which is neutral and polar, at codon 36 of the PMS2 protein (p.Ser36Asn). This variant is not present in population databases (gnomAD no frequency). This variant has not been reported in the literature in individuals affected with PMS2-related conditions. ClinVar contains an entry for this variant (Variation ID: 234593). Invitae Evidence Modeling incorporating data from in vitro experimental studies (internal data) indicates that this missense variant is not expected to disrupt PMS2 function with a negative predictive value of 95%. In summary, the available evidence is currently insufficient to determine the role of this variant in disease. Therefore, it has been classified as a Variant of Uncertain Significance.

Ambry Genetics
Classification: Uncertain significance for Hereditary cancer-predisposing syndrome. Last evaluated: 2024-03-30. Review status: criteria provided, single submitter. Criteria: Ambry Variant Classification Scheme 2023. Collection method: clinical testing. Allele origin: germline.
Comment: The p.S36N variant (also known as c.107G>A), located in coding exon 2 of the PMS2 gene, results from a G to A substitution at nucleotide position 107. The serine at codon 36 is replaced by asparagine, an amino acid with highly similar properties. This amino acid position is not well conserved in available vertebrate species. In addition, the in silico prediction for this alteration is inconclusive. Since supporting evidence is limited at this time, the clinical significance of this alteration remains unclear.

All of Us Research Program, National Institutes of Health
Classification: Uncertain significance for Lynch syndrome. Last evaluated: 2023-03-23. Review status: criteria provided, single submitter. Criteria: ACMG Guidelines, 2015. Collection method: clinical testing. Allele origin: germline. Inheritance: Autosomal dominant inheritance. Observed: 1 variant allele, 1 heterozygote.
Comment: This missense variant replaces serine with asparagine at codon 36 of the PMS2 protein. Computational prediction tool is inconclusive regarding the impact of this variant on protein structure and function (internally defined REVEL score threshold 0.5 < inconclusive < 0.7, PMID: 27666373). Splice site prediction tools suggest that this variant may not impact RNA splicing. To our knowledge, functional studies have not been performed for this variant. This variant has not been reported in individuals affected with hereditary cancer in the literature. This variant has not been identified in the general population by the Genome Aggregation Database (gnomAD). The available evidence is insufficient to determine the role of this variant in disease conclusively. Therefore, this variant is classified as a Variant of Uncertain Significance.

This study involves interpretation of variants in research participants for the purpose of population health screening. Participant phenotype was not available at the time of variant classification. Additional details can be found in publication PMID: 35346344, PMCID: PMC8962531

GeneDx
Classification: Uncertain significance. Last evaluated: 2023-03-08. Review status: criteria provided, single submitter. Criteria: GeneDx Variant Classification Process June 2021. Collection method: clinical testing. Allele origin: germline. Affected: yes.
Comment: Not observed at significant frequency in large population cohorts (gnomAD); In silico analysis supports that this missense variant does not alter protein structure/function; Observed in individuals with breast cancer (Dorling et al., 2021); This variant is associated with the following publications: (PMID: 22949387, 33471991, 11574484)

Color Diagnostics, LLC DBA Color Health
Classification: Uncertain significance for Hereditary cancer-predisposing syndrome. Last evaluated: 2023-03-02. Review status: criteria provided, single submitter. Criteria: ACMG Guidelines, 2015. Collection method: clinical testing. Allele origin: germline.
Comment: This missense variant replaces serine with asparagine at codon 36 of the PMS2 protein. Computational prediction is inconclusive regarding the impact of this variant on protein structure and function (internally defined REVEL score threshold 0.5 < inconclusive < 0.7, PMID: 27666373). To our knowledge, functional studies have not been reported for this variant. In a large breast cancer case-control study, this variant has been reported in 2/60466 cases and 0/53461 unaffected controls (PMID: 33471991). This variant has not been identified in the general population by the Genome Aggregation Database (gnomAD). The available evidence is insufficient to determine the role of this variant in disease conclusively. Therefore, this variant is classified as a Variant of Uncertain Significance.

Sema4
Classification: Uncertain significance for Hereditary cancer-predisposing syndrome. Last evaluated: 2021-10-04. Review status: criteria provided, single submitter. Criteria: Sema4 Curation Guidelines. Collection method: curation. Allele origin: germline.
Comment: The PMS2 c.107G>A (p.S36N) variant has been reported in at least two individuals with breast cancer (PMID: 33471991). It was not observed in the large and broad cohorts of the Genome Aggregation Database. The variant has been reported in ClinVar (Variation ID: 234593). Functional studies have not been performed, and in silico predictions of the variant's effect on protein function are inconclusive. The evidence is insufficient to meet ACMG/AMP criteria for classifying the variant as benign or pathogenic. Thus, the clinical significance of this variant is currently uncertain.

CeGaT Center for Human Genetics Tuebingen
Classification: Uncertain significance. Last evaluated: 2020-05-01. Review status: criteria provided, single submitter. Criteria: CeGaT Center For Human Genetics Tuebingen Variant Classification Criteria Version 2. Collection method: clinical testing. Allele origin: germline. Affected: yes. Observed: 1 variant allele.

Literature cited by the submitters: PubMed 33471991 (cited by Color Diagnostics, LLC DBA Color Health and Sema4).